The following is an entry in ClinVar:

NM_021224.6(ZNF462):c.6838C>T (p.Arg2280Cys)

Genes: ZNF462 (zinc finger protein 462; plus strand), LOC340512 (uncharacterized LOC340512; minus strand). Cytogenetic location: 9q31.2.
Variant type: single nucleotide variant.
Coding change: c.6838C>T on transcript NM_021224.6 (MANE Select); coding-DNA position 6838, C replaced by T.
Protein change: p.Arg2280Cys; replaces arginine 2280 with cysteine.
Molecular consequence: missense variant.
Genome position (GRCh38, 1-based): chr9:106,984,191, C>T. VCF-style: chr9-106984191-C-T. GRCh37 (hg19) VCF-style: chr9-109746472-C-T.
Other names: c.4243C>T, p.Arg1415Cys (NM_001347997.2); short protein forms R1415C, R2280C.
Identifiers: ClinVar variation 4532108 (VCV004532108.1).

ClinVar aggregate classification (germline): Uncertain significance (1 of 4 stars; one submission).

Conditions:
Weiss-Kruszka syndrome. Also called: Metopic ridging-ptosis-facial dysmorphism syndrome. Identifiers: Orphanet 502430, MedGen C5568107, MONDO:0032836, OMIM 618619.

Submission:

Victorian Clinical Genetics Services, Murdoch Childrens Research Institute
Classification: Uncertain significance for Weiss-Kruszka syndrome. Last evaluated: 2025-09-11. Review status: criteria provided, single submitter. Criteria: ACMG Guidelines, 2015. Collection method: clinical testing. Allele origin: germline. Affected: yes.
Comment: This variant is classified as VUS-3A. Evidence in support of pathogenic classification: Variant is absent from gnomAD (v2, v3 and v4); Missense variant predicted to be damaging by in silico tool(s) or highly conserved with a major amino acid change; Additional information: Variant is predicted to result in a missense amino acid change from Arg to Cys; This variant is heterozygous; This gene is associated with autosomal dominant disease; Alternative amino acid change(s) at the same position are present in gnomAD (highest allele count: v4: 2 heterozygote(s), 0 homozygote(s)); This variant has no previous evidence of pathogenicity; No published evidence of segregation with disease has been identified for this variant; No published functional evidence has been identified for this variant; No comparable missense variants have previous evidence for pathogenicity; Variant is not located in an established domain, motif, hotspot or informative constraint region; Loss of function is a known mechanism of disease in this gene and is associated with Weiss-Kruszka syndrome (MIM#618619); Variants in this gene are known to have variable expressivity (OMIM).